The following is an entry in ClinVar:

ClinVar aggregate classification (germline): Uncertain significance (1 of 4 stars; one submission).

Conditions:
Epidermolysis bullosa simplex with nail dystrophy (EBS5D). Identifiers: MedGen C4225309, MONDO:0014661, OMIM 616487.
Epidermolysis bullosa simplex 5B, with muscular dystrophy (EBS5B). Also called: EPIDERMOLYSIS BULLOSA SIMPLEX AND LIMB-GIRDLE MUSCULAR DYSTROPHY; Epidermolysis bullosa simplex with muscular dystrophy. Identifiers: Orphanet 257, MedGen C2931072, MONDO:0009181, OMIM 226670.
Epidermolysis bullosa simplex, Ogna type (EBS5A). Also called: Pidermolysis bullosa simplex 5A, Ogna type; EPIDERMOLYSIS BULLOSA SIMPLEX 5A, OGNA TYPE. Identifiers: Orphanet 79401, MedGen C0432317, MONDO:0007555, OMIM 131950.
Autosomal recessive limb-girdle muscular dystrophy type 2Q (LGMDR17). Also called: MUSCULAR DYSTROPHY, LIMB-GIRDLE, AUTOSOMAL RECESSIVE 17. Identifiers: Orphanet 254361, MedGen C3150989, MONDO:0013390, OMIM 613723.
Epidermolysis bullosa simplex 5C, with pyloric atresia (EBS5C). Also called: PLEC-Related Epidermolysis Bullosa with Pyloric Atresia; Epidermolysis bullosa simplex with pyloric atresia; PLEC1-Related Epidermolysis Bullosa with Pyloric Atresia. Identifiers: Orphanet 158684, MedGen C2677349, MONDO:0012807, OMIM 612138.

Submission:

Labcorp Genetics (formerly Invitae), Labcorp
Classification: Uncertain significance for Autosomal recessive limb-girdle muscular dystrophy type 2Q; Epidermolysis bullosa simplex, Ogna type; Epidermolysis bullosa simplex with nail dystrophy; Epidermolysis bullosa simplex 5C, with pyloric atresia; Epidermolysis bullosa simplex 5B, with muscular dystrophy. Last evaluated: 2017-12-19. Review status: criteria provided, single submitter. Criteria: Invitae Variant Classification Sherloc (09022015). Collection method: clinical testing. Allele origin: germline.
Comment: This variant is not present in population databases (ExAC no frequency). This variant, c.3065_3109del45, results in the deletion of 15 amino acids of the PLEC protein (p.Gln1022_Leu1036del), but otherwise preserves the integrity of the reading frame. This variant has not been reported in the literature in individuals with PLEC-related disease. In summary, the available evidence is currently insufficient to determine the role of this variant in disease. Therefore, it has been classified as a Variant of Uncertain Significance. Experimental studies and prediction algorithms are not available for this variant, and the functional significance of the deleted amino acids is currently unknown.

NM_201384.3(PLEC):c.2984_3028del (p.Gln995_Leu1009del)

Gene: PLEC (plectin; minus strand). Cytogenetic location: 8q24.3.
Variant type: Deletion.
Coding change: c.2984_3028del on transcript NM_201384.3 (MANE Select); coding-DNA positions 2984 to 3028, 45 bases deleted.
Protein change: p.Gln995_Leu1009del.
Molecular consequence: inframe deletion.
Genome position (GRCh38, 1-based): chr8:143,929,467-143,929,511, 45 bases deleted; deleting any 45 consecutive bases within chr8:143,929,467-143,929,518 gives the same sequence; the c. name uses the placement nearest the transcript's 3' end. GRCh37 (hg19): chr8:145,003,642-145,003,686.
Other names: c.3065_3109del, p.Gln1022_Leu1036del (NM_000445.5); c.2942_2986del, p.Gln981_Leu995del (NM_201378.4); c.2918_2962del, p.Gln973_Leu987del (NM_201379.3); c.3395_3439del, p.Gln1132_Leu1146del (NM_201380.4); c.2888_2932del, p.Gln963_Leu977del (NM_201381.3); c.2984_3028del, p.Gln995_Leu1009del (NM_201382.4); c.2996_3040del, p.Gln999_Leu1013del (NM_201383.3).
Identifiers: ClinVar variation 538937 (VCV000538937.6), dbSNP rs1554710983, ClinGen allele CA658797167.